The following is an entry in ClinVar:

ClinVar aggregate classification (germline): Uncertain significance. Review status: criteria provided, multiple submitters, no conflicts (2 of 4 stars). 2 submissions from 2 submitters: Uncertain significance (2). Last evaluated 2026-01-04.

Conditions:
KCNQ1-related disorder. Also called: KCNQ1-related condition; KCNQ1-related disorders. Identifiers: MedGen CN239322.
Long QT syndrome (LQTS). Identifiers: MedGen C0023976, MeSH D008133, MONDO:0002442. Disease mechanism: loss of function. Inheritance: Various modes of inheritance.

Submissions (2):

Labcorp Genetics (formerly Invitae), Labcorp
Classification: Uncertain significance for Long QT syndrome. Last evaluated: 2026-01-04. Review status: criteria provided, single submitter. Criteria: Invitae Variant Classification Sherloc (09022015). Collection method: clinical testing. Allele origin: germline.
Comment: This sequence change replaces leucine, which is neutral and non-polar, with glutamine, which is neutral and polar, at codon 20 of the KCNQ1 protein (p.Leu20Gln). This variant is not present in population databases (gnomAD no frequency). This variant has not been reported in the literature in individuals affected with KCNQ1-related conditions. Invitae Evidence Modeling of protein sequence and biophysical properties (such as structural, functional, and spatial information, amino acid conservation, physicochemical variation, residue mobility, and thermodynamic stability) indicates that this missense variant is not expected to disrupt KCNQ1 protein function with a negative predictive value of 95%. In summary, the available evidence is currently insufficient to determine the role of this variant in disease. Therefore, it has been classified as a Variant of Uncertain Significance.

PreventionGenetics, part of Exact Sciences
Classification: Uncertain significance for KCNQ1-related condition. Last evaluated: 2025-05-20. Review status: criteria provided, single submitter. Criteria: ACMG Guidelines, 2015. Collection method: clinical testing. Allele origin: germline.
Comment: The KCNQ1 c.59T>A variant is predicted to result in the amino acid substitution p.Leu20Gln. To our knowledge, this variant has not been reported in the literature or in a large population database (gnomAD), indicating this variant is rare. At this time, the clinical significance of this variant is uncertain due to the absence of conclusive functional and genetic evidence.

NM_000218.3(KCNQ1):c.59T>A (p.Leu20Gln)

Gene: KCNQ1 (potassium voltage-gated channel subfamily Q member 1; plus strand). Cytogenetic location: 11p15.5.
Variant type: single nucleotide variant.
Coding change: c.59T>A on transcript NM_000218.3 (MANE Select); coding-DNA position 59, T replaced by A.
Protein change: p.Leu20Gln; replaces leucine 20 with glutamine.
Molecular consequence: missense variant. On other transcripts: 5 prime UTR variant (1).
Genome position (GRCh38, 1-based): chr11:2,445,157, T>A. VCF-style: chr11-2445157-T-A. GRCh37 (hg19) VCF-style: chr11-2466387-T-A.
Other names: c.59T>A, p.Leu20Gln (NM_001406836.1, NM_001406838.1); c.-304T>A (NM_001406837.1); short protein forms L20Q.
Identifiers: ClinVar variation 4753661 (VCV004753661.2).